The following is an entry in ClinVar:

ClinVar aggregate classification (germline): Pathogenic (1 of 4 stars; one submission).

Submission:

Institute for Clinical Genetics, University Hospital TU Dresden, University Hospital TU Dresden
Classification: Pathogenic. Last evaluated: 2022-04-26. Review status: criteria provided, single submitter. Criteria: ACMG Guidelines, 2015. Collection method: clinical testing. Allele origin: germline.
Comment: PVS1, PP4, PM2_SUP

NM_003002.4(SDHD):c.295del (p.Leu99fs)

Gene: SDHD (succinate dehydrogenase complex subunit D; plus strand). Cytogenetic location: 11q23.1.
Variant type: Deletion.
Coding change: c.295del on transcript NM_003002.4 (MANE Select); coding-DNA position 295, one base deleted (C; older notation c.295delC).
Protein change: p.Leu99fs; shifts the reading frame from leucine 99.
Molecular consequence: frameshift variant. On other transcripts: non-coding transcript variant (1), intron variant (1).
Genome position (GRCh38, 1-based): chr11:112,088,992, C deleted; the last of 3 consecutive C bases (chr11:112,088,990-112,088,992); deleting any one gives the same sequence. VCF-style (leftmost placement, unchanged base first): chr11-112088989-GC-G. GRCh37 (hg19) VCF-style: chr11-111959713-GC-G.
Other names: c.178del, p.Leu60fs (NM_001276504.2); c.295del, p.Leu99fs (NM_001276506.2); c.169+1019del (NM_001276503.2); short protein forms L60fs, L99fs.
Identifiers: ClinVar variation 2575967 (VCV002575967.1), dbSNP rs2498905492, ClinGen allele CA2580615070.